The following is an entry in ClinVar:

ClinVar aggregate classification (germline): Uncertain significance (1 of 4 stars; one submission).

gnomAD v4.1: 8 of 1,602,054 alleles (0.0005%); highest among the groups gnomAD compares: Admixed American, 0.0017%; no homozygotes.

Submission:

Labcorp Genetics (formerly Invitae), Labcorp
Classification: Uncertain significance. Last evaluated: 2026-01-06. Review status: criteria provided, single submitter. Criteria: Invitae Variant Classification Sherloc (09022015). Collection method: clinical testing. Allele origin: germline.
Comment: This sequence change replaces arginine, which is basic and polar, with cysteine, which is neutral and slightly polar, at codon 900 of the PITPNM3 protein (p.Arg900Cys). This variant is present in population databases (no rsID available, gnomAD 0.003%). This variant has not been reported in the literature in individuals affected with PITPNM3-related conditions. Invitae Evidence Modeling of protein sequence and biophysical properties (such as structural, functional, and spatial information, amino acid conservation, physicochemical variation, residue mobility, and thermodynamic stability) indicates that this missense variant is not expected to disrupt PITPNM3 protein function with a negative predictive value of 80%. In summary, the available evidence is currently insufficient to determine the role of this variant in disease. Therefore, it has been classified as a Variant of Uncertain Significance.

NM_031220.4(PITPNM3):c.2698C>T (p.Arg900Cys)

Gene: PITPNM3 (PITPNM family member 3; minus strand). Cytogenetic location: 17p13.2.
Variant type: single nucleotide variant.
Coding change: c.2698C>T on transcript NM_031220.4 (MANE Select); coding-DNA position 2698, C replaced by T.
Protein change: p.Arg900Cys; replaces arginine 900 with cysteine.
Molecular consequence: missense variant.
Genome position (GRCh38, 1-based): chr17:6,455,565, G>A on the plus strand (C>T on the coding strand, the complement: PITPNM3 is on the minus strand). VCF-style: chr17-6455565-G-A. GRCh37 (hg19) VCF-style: chr17-6358885-G-A.
Other names: c.2590C>T, p.Arg864Cys (NM_001165966.2); short protein forms R864C, R900C.
Identifiers: ClinVar variation 4691193 (VCV004691193.1).